The following is an entry in ClinVar:

ClinVar aggregate classification (germline): Uncertain significance. Review status: criteria provided, multiple submitters, no conflicts (2 of 4 stars). 2 submissions from 2 submitters: Uncertain significance (2). Last evaluated 2025-10-29.

Conditions:
Cardiovascular phenotype. Identifiers: MedGen CN230736.
Catecholaminergic polymorphic ventricular tachycardia 1. Also called: VENTRICULAR TACHYCARDIA, CATECHOLAMINERGIC POLYMORPHIC, 1, WITH OR WITHOUT ATRIAL DYSFUNCTION AND/OR DILATED CARDIOMYOPATHY; VENTRICULAR TACHYCARDIA, STRESS-INDUCED POLYMORPHIC 1; RYR2-Related Catecholaminergic Polymorphic Ventricular Tachycardia. Identifiers: Orphanet 3286, MedGen C1631597, MONDO:0011484, OMIM 604772.

Allele frequency attached by ClinVar (database versions not stated): TOPMed below 0.00001.

Submissions (2):

Labcorp Genetics (formerly Invitae), Labcorp
Classification: Uncertain significance for Catecholaminergic polymorphic ventricular tachycardia 1. Last evaluated: 2025-10-29. Review status: criteria provided, single submitter. Criteria: Invitae Variant Classification Sherloc (09022015). Collection method: clinical testing. Allele origin: germline.
Comment: This sequence change replaces leucine, which is neutral and non-polar, with proline, which is neutral and non-polar, at codon 2372 of the RYR2 protein (p.Leu2372Pro). This variant is not present in population databases (gnomAD no frequency). This variant has not been reported in the literature in individuals affected with RYR2-related conditions. ClinVar contains an entry for this variant (Variation ID: 1044735). An algorithm developed to predict the effect of missense changes on protein structure and function outputs the following: PolyPhen-2: "Benign". The proline amino acid residue is found in multiple mammalian species, which suggests that this missense change does not adversely affect protein function. In summary, the available evidence is currently insufficient to determine the role of this variant in disease. Therefore, it has been classified as a Variant of Uncertain Significance.

Ambry Genetics
Classification: Uncertain significance for Cardiovascular phenotype. Last evaluated: 2025-10-28. Review status: criteria provided, single submitter. Criteria: Ambry Variant Classification Scheme 2023. Collection method: clinical testing. Allele origin: germline.
Comment: The p.L2372P variant (also known as c.7115T>C), located in coding exon 46 of the RYR2 gene, results from a T to C substitution at nucleotide position 7115. The amino acid change results in leucine to proline at codon 2372, an amino acid with similar properties. This amino acid position is not well conserved in available vertebrate species. In addition, the in silico prediction for this alteration is inconclusive. Based on the available evidence, the clinical significance of this variant remains unclear.

NM_001035.3(RYR2):c.7115T>C (p.Leu2372Pro)

Gene: RYR2 (ryanodine receptor 2; plus strand). Cytogenetic location: 1q43.
Variant type: single nucleotide variant.
Coding change: c.7115T>C on transcript NM_001035.3 (MANE Select); coding-DNA position 7115, T replaced by C.
Protein change: p.Leu2372Pro; replaces leucine 2372 with proline.
Molecular consequence: missense variant.
Genome position (GRCh38, 1-based): chr1:237,639,201, T>C. VCF-style: chr1-237639201-T-C. GRCh37 (hg19) VCF-style: chr1-237802501-T-C.
Other names: c.7115T>C (NM_001035.2); short protein forms L2372P.
Identifiers: ClinVar variation 1044735 (VCV001044735.10), dbSNP rs1245506727, ClinGen allele CA345396112.